The following is an entry in ClinVar:

ClinVar aggregate classification (germline): Uncertain significance (1 of 4 stars; one submission).

Submission:

Labcorp Genetics (formerly Invitae), Labcorp
Classification: Uncertain significance. Last evaluated: 2022-01-31. Review status: criteria provided, single submitter. Criteria: Invitae Variant Classification Sherloc (09022015). Collection method: clinical testing. Allele origin: germline.
Comment: In summary, the available evidence is currently insufficient to determine the role of this variant in disease. Therefore, it has been classified as a Variant of Uncertain Significance. Advanced modeling of protein sequence and biophysical properties (such as structural, functional, and spatial information, amino acid conservation, physicochemical variation, residue mobility, and thermodynamic stability) performed at Invitae indicates that this missense variant is not expected to disrupt LRP2 protein function. This variant has not been reported in the literature in individuals affected with LRP2-related conditions. This variant is not present in population databases (gnomAD no frequency). This sequence change replaces proline, which is neutral and non-polar, with threonine, which is neutral and polar, at codon 4093 of the LRP2 protein (p.Pro4093Thr).

NM_004525.3(LRP2):c.12277C>A (p.Pro4093Thr)

Gene: LRP2 (LDL receptor related protein 2; minus strand). Cytogenetic location: 2q31.1.
Variant type: single nucleotide variant.
Coding change: c.12277C>A on transcript NM_004525.3 (MANE Select); coding-DNA position 12277, C replaced by A.
Protein change: p.Pro4093Thr; replaces proline 4093 with threonine.
Molecular consequence: missense variant.
Genome position (GRCh38, 1-based): chr2:169,154,478, G>T on the plus strand (C>A on the coding strand, the complement: LRP2 is on the minus strand). VCF-style: chr2-169154478-G-T. GRCh37 (hg19) VCF-style: chr2-170010988-G-T.
Other names: short protein forms P4093T.
Identifiers: ClinVar variation 2091248 (VCV002091248.4), dbSNP rs2545680662, ClinGen allele CA349137006.
Genomic context (GRCh38, chr2:169,154,478, plus strand): 5'-AGTCACTTAATATCAATGAAAGATGCCAAAGTTTATACTCACTGAGGCCTATGTCCTTGG[G>T]ATCCCAATCATAATCAACAGCTTGGATATATTCCTCATCTTGAAGATACTCTGAGAACCT-3'
Protein context (NP_004516.2, residues 4083-4103): YIQAVDYDWD[Pro4093Thr]KDIGLSVVYY